The following is an entry in ClinVar:

ClinVar aggregate classification (germline): Pathogenic (1 of 4 stars; one submission).

Submission:

GeneDx
Classification: Pathogenic. Last evaluated: 2024-07-12. Review status: criteria provided, single submitter. Criteria: GeneDx Variant Classification Process June 2021. Collection method: clinical testing. Allele origin: germline. Affected: yes.
Comment: Frameshift variant predicted to result in protein truncation or nonsense mediated decay in a gene for which loss of function is a known mechanism of disease; Not observed at significant frequency in large population cohorts (gnomAD); Has not been previously published as pathogenic or benign to our knowledge

NM_001127222.2(CACNA1A):c.5308del (p.Cys1770fs)

Gene: CACNA1A (calcium voltage-gated channel subunit alpha1 A; minus strand). Cytogenetic location: 19p13.13.
Variant type: Deletion.
Coding change: c.5308del on transcript NM_001127222.2 (MANE Select); coding-DNA position 5308, one base deleted (T; older notation c.5308delT).
Protein change: p.Cys1770fs; shifts the reading frame from cysteine 1770.
Molecular consequence: frameshift variant.
Genome position (GRCh38, 1-based): chr19:13,231,802, A deleted on the plus strand (T on the coding strand, the reverse complement: CACNA1A is on the minus strand). VCF-style (leftmost placement, unchanged base first): chr19-13231801-CA-C. GRCh37 (hg19) VCF-style: chr19-13342615-CA-C.
Other names: c.5326del, p.Cys1776fs (NM_000068.4, NM_023035.3); c.5311delT, p.Cys1771Valfs (NM_001127221.1); c.5311del, p.Cys1771fs (NM_001127221.2); c.5317del, p.Cys1773fs (NM_001174080.2); short protein forms C1770fs, C1771fs, C1776fs, C1773fs.
Identifiers: ClinVar variation 3572509 (VCV003572509.1).